The following is an entry in ClinVar:

NC_000022.10:g.(?_29121104)_(29125326_?)del

Gene: CHEK2 (checkpoint kinase 2; minus strand). Cytogenetic location: 22q12.1.
Variant type: Deletion.
Identifiers: ClinVar variation 3247558 (VCV003247558.1).

ClinVar aggregate classification (germline): Pathogenic (1 of 4 stars; one submission).

Conditions:
Familial cancer of breast. Also called: BREAST CANCER, FAMILIAL; Hereditary breast cancer; hereditary breast carcinoma. Identifiers: Orphanet 227535, MedGen C0346153, MONDO:0016419, OMIM 114480. Disease mechanism: loss of function.

Submission:

Labcorp Genetics (formerly Invitae), Labcorp
Classification: Pathogenic for Familial cancer of breast. Last evaluated: 2018-12-31. Review status: criteria provided, single submitter. Criteria: Invitae Variant Classification Sherloc (09022015). Collection method: clinical testing. Allele origin: unknown.
Comment: For these reasons, this variant has been classified as Pathogenic. Loss-of-function variants in CHEK2 are known to be pathogenic (PMID: 21876083, 24713400). This variant disrupts the p.Arg117 amino acid residue in CHEK2. Other variant(s) that disrupt this residue have been observed in individuals with CHEK2-related conditions (PMID:¬†12454775, 12610780, 21244692, 28503720), suggesting that it is a clinically significant residue. As a result, variants that disrupt this residue are likely to be causative of disease. This variant has not been reported in the literature in individuals with CHEK2-related conditions. This variant is a deletion of the genomic region encompassing exon 3 and part of exon 4 (c.320-3971_453del) of the CHEK2 gene. It is expected to disrupt RNA splicing and likely results in an absent or disrupted protein product.

Literature cited by the submitters: PubMed 21876083; PubMed 24713400.